The following is an entry in ClinVar:

NM_000478.6(ALPL):c.147C>T (p.Asn49=)

Gene: ALPL (alkaline phosphatase, biomineralization associated; plus strand). Cytogenetic location: 1p36.12.
Variant type: single nucleotide variant.
Coding change: c.147C>T on transcript NM_000478.6 (MANE Select); coding-DNA position 147, C replaced by T.
Protein change: p.Asn49=; no amino-acid change (asparagine 49 retained).
Molecular consequence: synonymous variant. On other transcripts: 5 prime UTR variant (1), missense variant (1).
Genome position (GRCh38, 1-based): chr1:21,560,711, C>T. VCF-style: chr1-21560711-C-T. GRCh37 (hg19) VCF-style: chr1-21887204-C-T.
Other names: p.Asn49=; c.-19C>T (NM_001127501.4); c.32C>T, p.Thr11Met (NM_001177520.3); c.147C>T, p.Asn49= (NM_001369803.2, NM_001369804.2, NM_001369805.2); short protein forms T11M.
Identifiers: ClinVar variation 554846 (VCV000554846.14), dbSNP rs539884496, ClinGen allele CA666404.

ClinVar aggregate classification (germline): Likely benign. Review status: criteria provided, multiple submitters, no conflicts (2 of 4 stars). 4 submissions from 4 submitters: Likely benign (3). 1 of the submissions does not count toward it. Last evaluated 2026-01-19.

Conditions:
Inborn genetic diseases. Identifiers: MedGen C0950123, MeSH D030342.
Infantile hypophosphatasia. Identifiers: Orphanet 247651, Orphanet 436, MedGen C0268412, MONDO:1010169, OMIM 241500, MONDO:0009427.

Allele frequency attached by ClinVar (database versions not stated): gnomAD 0.00001; TOPMed 0.00002; gnomAD exomes 0.00003.
gnomAD v4.1: 35 of 1,614,036 alleles (0.0022%); highest among the groups gnomAD compares: East Asian, 0.016%; no homozygotes.

Submissions (4):

Labcorp Genetics (formerly Invitae), Labcorp
Classification: Likely benign. Last evaluated: 2026-01-19. Review status: criteria provided, single submitter. Criteria: Invitae Variant Classification Sherloc (09022015). Collection method: clinical testing. Allele origin: germline.

Mayo Clinic Laboratories, Mayo Clinic
Classification: Likely benign. Last evaluated: 2025-07-18. Review status: criteria provided, single submitter. Criteria: ACMG Guidelines, 2015. Collection method: clinical testing. Allele origin: germline. Observed: 1 variant allele.
Comment: BP4, BP7, PM2_supporting

Ambry Genetics
Classification: Likely benign for Inborn genetic diseases. Last evaluated: 2024-04-16. Review status: criteria provided, single submitter. Criteria: Ambry Variant Classification Scheme 2023. Collection method: clinical testing. Allele origin: germline.

Counsyl
Classification: Likely benign for Infantile hypophosphatasia. Last evaluated: 2017-11-14. Review status: no assertion criteria provided. Collection method: clinical testing. Allele origin: unknown. Not counted in ClinVar's aggregate classification.